The following is an entry in ClinVar:

ClinVar aggregate classification (germline): Conflicting classifications of pathogenicity. Review status: criteria provided, conflicting classifications (1 of 4 stars). 6 submissions from 6 submitters: Uncertain significance (2); Benign (1); Likely benign (2). 1 of the submissions does not count toward it. Last evaluated 2025-10-05.

Conditions:
RET-related disorder. Also called: RET-related condition; RET-related disease; RET-related disorders.
Multiple endocrine neoplasia, type 2 (MEN2). Identifiers: Orphanet 653, MedGen C4048306, MONDO:0019003. Disease mechanism: gain of function.
Multiple endocrine neoplasia type 2A. Also called: MULTIPLE ENDOCRINE NEOPLASIA, TYPE IIA; PTC SYNDROME; SIPPLE SYNDROME; MEN 2A; MEN-2A syndrome; Pheochromocytoma and amyloid producing medullary thyroid carcinoma. Identifiers: Orphanet 247698, Orphanet 653, MedGen C0025268, MeSH D018813, MONDO:0008234, OMIM 171400.
Hereditary cancer-predisposing syndrome. Also called: Neoplastic Syndromes, Hereditary; Tumor predisposition; Hereditary Cancer Syndrome; Hereditary neoplastic syndrome. Identifiers: Orphanet 140162, MedGen C0027672, MeSH D009386, MONDO:0015356.

Allele frequency attached by ClinVar (database versions not stated): TOPMed below 0.00001; gnomAD exomes 0.00002; ExAC 0.00003.
gnomAD v4.1: 30 of 1,608,782 alleles (0.0019%); highest among the groups gnomAD compares: South Asian, 0.019%; no homozygotes.

Submissions (6):

Labcorp Genetics (formerly Invitae), Labcorp
Classification: Likely benign for Multiple endocrine neoplasia, type 2. Last evaluated: 2025-10-05. Review status: criteria provided, single submitter. Criteria: Invitae Variant Classification Sherloc (09022015). Collection method: clinical testing. Allele origin: germline.

Myriad Genetics, Inc.
Classification: Benign for Multiple endocrine neoplasia type 2A. Last evaluated: 2025-02-26. Review status: criteria provided, single submitter. Criteria: Myriad Autosomal Dominant, Autosomal Recessive and X-Linked Classification Criteria (2023). Collection method: clinical testing. Allele origin: unknown.
Comment: This variant is considered benign. This variant is a silent/synonymous amino acid change and it is not expected to impact splicing.

All of Us Research Program, National Institutes of Health
Classification: Uncertain significance for Multiple endocrine neoplasia, type 2. Last evaluated: 2024-05-14. Review status: criteria provided, single submitter. Criteria: ACMG Guidelines, 2015. Collection method: clinical testing. Allele origin: germline. Inheritance: Autosomal dominant inheritance. Observed: 2 variant alleles, 2 heterozygotes.
Comment: This variant is located in the RET protein. To our knowledge, functional studies have not been reported for this variant. This variant has not been reported in individuals affected with RET-related disorders in the literature. This variant has been identified in 6/248302 chromosomes in the general population by the Genome Aggregation Database (gnomAD). The available evidence is insufficient to determine the role of this variant in disease conclusively. Therefore, this variant is classified as a Variant of Uncertain Significance.

This study involves interpretation of variants in research participants for the purpose of population health screening. Participant phenotype was not available at the time of variant classification. Additional details can be found in publication PMID: 35346344, PMCID: PMC8962531

Color Diagnostics, LLC DBA Color Health
Classification: Uncertain significance for Multiple endocrine neoplasia, type 2. Last evaluated: 2023-07-26. Review status: criteria provided, single submitter. Criteria: ACMG Guidelines, 2015. Collection method: clinical testing. Allele origin: germline.
Comment: This variant is located in the RET protein. To our knowledge, functional studies have not been reported for this variant. This variant has not been reported in individuals affected with RET-related disorders in the literature. This variant has been identified in 6/248302 chromosomes in the general population by the Genome Aggregation Database (gnomAD). The available evidence is insufficient to determine the role of this variant in disease conclusively. Therefore, this variant is classified as a Variant of Uncertain Significance.

Ambry Genetics
Classification: Likely benign for Hereditary cancer-predisposing syndrome. Last evaluated: 2018-08-16. Review status: criteria provided, single submitter. Criteria: Ambry Variant Classification Scheme 2023. Collection method: clinical testing. Allele origin: germline.

PreventionGenetics, part of Exact Sciences
Classification: Likely benign for RET-related condition. Last evaluated: 2020-05-18. Review status: no assertion criteria provided. Collection method: clinical testing. Allele origin: germline. Not counted in ClinVar's aggregate classification.
Comment: This variant is classified as likely benign based on ACMG/AMP sequence variant interpretation guidelines (Richards et al. 2015 PMID: 25741868, with internal and published modifications).

NM_020975.6(RET):c.1914C>T (p.Ile638=)

Gene: RET (ret proto-oncogene; plus strand). Cytogenetic location: 10q11.21.
Variant type: single nucleotide variant.
Coding change: c.1914C>T on transcript NM_020975.6 (MANE Select); coding-DNA position 1914, C replaced by T.
Protein change: p.Ile638=; no amino-acid change (isoleucine 638 retained).
Molecular consequence: synonymous variant. On other transcripts: intron variant (4).
Genome position (GRCh38, 1-based): chr10:43,114,514, C>T. VCF-style: chr10-43114514-C-T. GRCh37 (hg19) VCF-style: chr10-43609962-C-T.
Other names: c.1914C>T, p.Ile638= (NM_000323.2, NM_001406743.1, NM_001406744.1 and 4 more transcripts); c.1152C>T, p.Ile384= (NM_001355216.2); c.1785C>T, p.Ile595= (NM_001406761.1, NM_001406762.1, NM_001406764.1); c.1626C>T, p.Ile542= (NM_001406766.1, NM_001406767.1, NM_001406770.1); c.1518C>T, p.Ile506= (NM_001406769.1, NM_001406772.1); c.1476C>T, p.Ile492= (NM_001406771.1, NM_001406773.1); c.1389C>T, p.Ile463= (NM_001406774.1); c.1188C>T, p.Ile396= (NM_001406775.1, NM_001406776.1, NM_001406777.1 and 1 more transcripts); and 10 more.
Identifiers: ClinVar variation 820331 (VCV000820331.20), dbSNP rs375041479, ClinGen allele CA036533.